The following is an entry in ClinVar:

NM_000059.4(BRCA2):c.516+17G>T

Gene: BRCA2 (BRCA2 DNA repair associated; plus strand). Cytogenetic location: 13q13.1.
Variant type: single nucleotide variant.
Coding change: c.516+17G>T on transcript NM_000059.4 (MANE Select); 17 bases into the intron after coding-DNA position 516, G replaced by T.
Molecular consequence: intron variant.
Genome position (GRCh38, 1-based): chr13:32,326,299, G>T. VCF-style: chr13-32326299-G-T. GRCh37 (hg19) VCF-style: chr13-32900436-G-T.
Identifiers: ClinVar variation 462366 (VCV000462366.21), dbSNP rs765435155, ClinGen allele CA6940382.

ClinVar aggregate classification (germline): Benign/Likely benign. Review status: criteria provided, multiple submitters, no conflicts (2 of 4 stars). 7 submissions from 7 submitters: Benign (1); Likely benign (3). 3 of the submissions do not count toward it. Last evaluated 2026-01-26.

Conditions:
Hereditary cancer-predisposing syndrome. Also called: Hereditary neoplastic syndrome; Neoplastic Syndromes, Hereditary; Tumor predisposition; Hereditary Cancer Syndrome. Identifiers: Orphanet 140162, MedGen C0027672, MeSH D009386, MONDO:0015356.
Hereditary breast ovarian cancer syndrome. Also called: Hereditary breast and/or ovarian cancer syndrome; BRCA1- and BRCA2-Associated Hereditary Breast and Ovarian Cancer; Hereditary breast and ovarian cancer; Breast and ovarian cancer; Hereditary breast and ovarian cancer syndrome; Hereditary breast and ovarian cancer syndrome (HBOC). Identifiers: Orphanet 145, MedGen C0677776, MeSH D061325, MONDO:0003582. Disease mechanism: loss of function.
Breast-ovarian cancer, familial, susceptibility to, 2 (BROVCA2). Also called: BRCA2 Hereditary Breast and Ovarian Cancer. Identifiers: Orphanet 145, MedGen C2675520, MONDO:0012933, OMIM 612555. Disease mechanism: loss of function.

Allele frequency attached by ClinVar (database versions not stated): TOPMed 0.00006.
gnomAD v4.1: 13 of 1,608,284 alleles (0.00081%); highest among the groups gnomAD compares: African/African-American, 0.0013%; no homozygotes.

Submissions (7):

Labcorp Genetics (formerly Invitae), Labcorp
Classification: Likely benign for Hereditary breast ovarian cancer syndrome. Last evaluated: 2026-01-26. Review status: criteria provided, single submitter. Criteria: Invitae Variant Classification Sherloc (09022015). Collection method: clinical testing. Allele origin: germline.

Women's Health and Genetics/Laboratory Corporation of America, LabCorp
Classification: Likely benign. Last evaluated: 2024-12-11. Review status: criteria provided, single submitter. Criteria: LabCorp Variant Classification Summary - May 2015. Collection method: clinical testing. Allele origin: germline.

Color Diagnostics, LLC DBA Color Health
Classification: Likely benign for Hereditary cancer-predisposing syndrome. Last evaluated: 2015-12-29. Review status: criteria provided, single submitter. Criteria: ACMG Guidelines, 2015. Collection method: clinical testing. Allele origin: germline.

GeneDx
Classification: Benign. Last evaluated: 2015-03-04. Review status: criteria provided, single submitter. Criteria: GeneDx Variant Classification (06012015). Collection method: clinical testing. Allele origin: germline. Affected: yes.
Comment: This variant is considered likely benign or benign based on one or more of the following criteria: it is a conservative change, it occurs at a poorly conserved position in the protein, it is predicted to be benign by multiple in silico algorithms, and/or has population frequency not consistent with disease.

BRCAlab, Lund University
Classification: Likely benign for Breast-ovarian cancer, familial, susceptibility to, 2. Last evaluated: 2020-03-02. Review status: no assertion criteria provided. Collection method: clinical testing. Allele origin: germline. Affected: yes. Not counted in ClinVar's aggregate classification.

Clinical Genetics DNA and cytogenetics Diagnostics Lab, Erasmus MC, Erasmus Medical Center
Classification: Likely benign. Review status: no assertion criteria provided. Collection method: clinical testing. Allele origin: germline. Affected: yes. Study: VKGL Data-share Consensus. Not counted in ClinVar's aggregate classification.

Joint Genome Diagnostic Labs from Nijmegen and Maastricht, Radboudumc and MUMC+
Classification: Likely benign. Review status: no assertion criteria provided. Collection method: clinical testing. Allele origin: germline. Affected: yes. Study: VKGL Data-share Consensus. Not counted in ClinVar's aggregate classification.